The following is an entry in ClinVar:

NM_024596.5(MCPH1):c.2484del (p.Glu829fs)

Genes: MCPH1 (microcephalin 1; plus strand), MCPH1-AS1 (MCPH1 antisense RNA 1; minus strand). Cytogenetic location: 8p23.1.
Variant type: Deletion.
Coding change: c.2484del on transcript NM_024596.5 (MANE Select); coding-DNA position 2484, one base deleted (T; older notation c.2484delT).
Protein change: p.Glu829fs; shifts the reading frame from glutamic acid 829.
Molecular consequence: frameshift variant. On other transcripts: stop lost (1).
Genome position (GRCh38, 1-based): chr8:6,643,025, T deleted. VCF-style (leftmost placement, unchanged base first): chr8-6643024-CT-C. GRCh37 (hg19) VCF-style: chr8-6500545-CT-C.
Other names: c.2626del, p.Ter876GluextTer? (NM_001322042.2); c.2205del, p.Glu736fs (NM_001363980.2); short protein forms E736fs, E829fs.
Identifiers: ClinVar variation 5004003 (VCV005004003.1).

ClinVar aggregate classification (germline): Uncertain significance (1 of 4 stars; one submission).

Conditions:
Microcephaly 1, primary, autosomal recessive (MCPH1). Also called: PREMATURE CHROMOSOME CONDENSATION SYNDROME; PCC SYNDROME; PREMATURE CHROMOSOME CONDENSATION WITH MICROCEPHALY AND MENTAL RETARDATION. Identifiers: Orphanet 2512, MedGen C1855081, MONDO:0009617, OMIM 251200.

Submission:

Myriad Genetics, Inc.
Classification: Uncertain significance for Microcephaly 1, primary, autosomal recessive. Last evaluated: 2025-08-06. Review status: criteria provided, single submitter. Criteria: Myriad Autosomal Dominant, Autosomal Recessive and X-Linked Classification Criteria (2023). Collection method: clinical testing. Allele origin: unknown.
Comment: NM_024596.3(MCPH1):c.2484delT(E829Kfs*16) is a frameshift variant that results in protein elongation classified as a variant of uncertain significance in the context of primary microcephaly, MCPH1-related. E829Kfs*16 has not been observed in cases with relevant disease. Relevant functional assessments of this variant are not available in the literature. E829Kfs*16 has not been observed in referenced population frequency databases. In summary, there is insufficient evidence to classify NM_024596.3(MCPH1):c.2484delT(E829Kfs*16) as pathogenic or benign. Please note: this variant was assessed in the context of healthy population screening.